The following is an entry in ClinVar:

NM_018684.4(ZC4H2):c.527C>T (p.Thr176Met)

Gene: ZC4H2 (zinc finger C4H2-type containing; minus strand). Cytogenetic location: Xq11.2.
Variant type: single nucleotide variant.
Coding change: c.527C>T on transcript NM_018684.4 (MANE Select); coding-DNA position 527, C replaced by T.
Protein change: p.Thr176Met; replaces threonine 176 with methionine.
Molecular consequence: missense variant. On other transcripts: non-coding transcript variant (1), intron variant (1).
Genome position (GRCh38, 1-based): chrX:64,919,076, G>A on the plus strand (C>T on the coding strand, the complement: ZC4H2 is on the minus strand). VCF-style: chrX-64919076-G-A. GRCh37 (hg19) VCF-style: chrX-64138956-G-A.
Other names: c.458C>T, p.Thr153Met (NM_001178032.3, NM_001243804.2); c.398+1005C>T (NM_001178033.3); short protein forms T153M, T176M.
Identifiers: ClinVar variation 1676835 (VCV001676835.9), dbSNP rs747730322, ClinGen allele CA10433390.
Genomic context (GRCh38, chrX:64,919,076, plus strand): 5'-CCACAACCATTACCCAGCTCACTTACCTTCATAGGTGGGGGCTGCTGCCTGAAGGTGGCC[G>A]TCTGCCGAGTATCCTGCTTCCTAGCCACTTGGAGCTGTTGGGCGGCAGCGGCTGCAGCGG-3'
Protein context (NP_061154.1, residues 166-186): QVARKQDTRQ[Thr176Met]ATFRQQPPPM

ClinVar aggregate classification (germline): Uncertain significance. Review status: criteria provided, multiple submitters, no conflicts (2 of 4 stars). 4 submissions from 4 submitters: Uncertain significance (4). Last evaluated 2025-01-06.

Conditions:
Wieacker-Wolff syndrome. Also called: APRAXIA, OCULOMOTOR, WITH CONGENITAL CONTRACTURES AND MUSCLE ATROPHY; Miles-Carpenter syndrome; Wieacker-Wolff, X-linked recessive; CONTRACTURES OF FEET, MUSCLE ATROPHY, AND OCULOMOTOR APRAXIA; Intellectual disability-developmental delay-contractures syndrome; MENTAL RETARDATION, X-LINKED, SYNDROMIC 4. Identifiers: Orphanet 3454, Orphanet 85283, MedGen C0796200, MONDO:0010758, OMIM 314580.

Allele frequency attached by ClinVar (database versions not stated): TOPMed below 0.00001; ExAC 0.00001; gnomAD 0.00001; gnomAD exomes 0.00003.
gnomAD v4.1: 28 of 1,177,697 alleles (0.0024%); highest among the groups gnomAD compares: South Asian, 0.037%; no homozygotes.

Submissions (4):

Revvity Omics, Revvity
Classification: Uncertain significance. Last evaluated: 2025-01-06. Review status: criteria provided, single submitter. Criteria: ACMG Guidelines, 2015. Collection method: clinical testing. Allele origin: germline.

Neuberg Centre For Genomic Medicine, NCGM
Classification: Uncertain significance for Wieacker-Wolff syndrome. Last evaluated: 2023-06-22. Review status: criteria provided, single submitter. Criteria: ACMG Guidelines, 2015. Collection method: clinical testing. Allele origin: germline. Inheritance: X-linked recessive inheritance. Affected: yes.
Comment: The observed missense variant c.527C>Tp.Thr176Met in ZC4H2 gene has not been reported previously as a pathogenic variant nor as a benign variant, to our knowledge. The p.Thr176Met variant is reported with 0.001% allele frequency in gnomAD Exomes. It has been submitted to ClinVar as Uncertain Significance. The amino acid Thr at position 176 is changed to a Met changing protein sequence and it might alter its composition and physico-chemical properties. The reference amino acid p.Thr176Met in ZC4H2 is predicted as conserved by GERP++ and PhyloP across 100 vertebrates. Computational evidence Polyphen-probably damaging, SIFT-Tolerated and Mutation Taster-disease causing predicts conflicting evidence on protein structure and function for this variant. For these reasons, this variant has been classified as Uncertain Significance.

Labcorp Genetics (formerly Invitae), Labcorp
Classification: Uncertain significance. Last evaluated: 2022-08-20. Review status: criteria provided, single submitter. Criteria: Invitae Variant Classification Sherloc (09022015). Collection method: clinical testing. Allele origin: germline.
Comment: This variant has not been reported in the literature in individuals affected with ZC4H2-related conditions. In summary, the available evidence is currently insufficient to determine the role of this variant in disease. Therefore, it has been classified as a Variant of Uncertain Significance. Algorithms developed to predict the effect of missense changes on protein structure and function are either unavailable or do not agree on the potential impact of this missense change (SIFT: "Tolerated"; PolyPhen-2: "Possibly Damaging"; Align-GVGD: "Class C0"). The frequency data for this variant in the population databases is considered unreliable, as metrics indicate poor data quality at this position in the gnomAD database. This sequence change replaces threonine, which is neutral and polar, with methionine, which is neutral and non-polar, at codon 176 of the ZC4H2 protein (p.Thr176Met).

Department of Medical Genetics, Sanjay Gandhi Post Graduate Institute of Medical Sciences
Classification: Uncertain significance for Wieacker-Wolff syndrome. Review status: criteria provided, single submitter. Criteria: ACMG Guidelines, 2015. Collection method: clinical testing. Allele origin: maternal. Inheritance: X-linked dominant inheritance. Affected: yes. Observed: 1 hemizygote.